The following is an entry in ClinVar:

NC_000005.10:g.112846716A>G

Variant type: single nucleotide variant.
Genome position: GRCh38 VCF-style: chr5-112846716-A-G. GRCh37 (hg19) VCF-style: chr5-112182413-A-G.
Identifiers: ClinVar variation 83273 (VCV000083273.2), dbSNP rs78002373, ClinGen allele CA250965.
Genomic context (GRCh38, chr5:112,846,716, plus strand): 5'-CTAAGCCCAGCGTTGGGAATTAGTCAGGAGTTACGATGCCTGTTTAGAGAGGAGTGGGGG[A>G]GGGAGAGTTACCTAACGTAAGGCACTTCAAAGGAGTGCGTTGGGATCACCAGGAGTGCTT-3'

ClinVar aggregate classification (germline): other (0 of 4 stars; one submission).

Conditions:
Familial colorectal cancer. Identifiers: MedGen CN280943, MONDO:0023113. Disease mechanism: loss of function.

Submission:

Systems Biology Platform Zhejiang California International NanoSystems Institute
Classification: other for Familial colorectal cancer. Review status: no assertion criteria provided. Collection method: not provided. Allele origin: unknown.
ClinVar note: Converted during submission from cancer to other.